The following is an entry in ClinVar:

NM_014244.5(ADAMTS2):c.1603G>A (p.Asp535Asn)

Gene: ADAMTS2 (ADAM metallopeptidase with thrombospondin type 1 motif 2; minus strand). Cytogenetic location: 5q35.3.
Variant type: single nucleotide variant.
Coding change: c.1603G>A on transcript NM_014244.5 (MANE Select); coding-DNA position 1603, G replaced by A.
Protein change: p.Asp535Asn; replaces aspartic acid 535 with asparagine.
Molecular consequence: missense variant.
Genome position (GRCh38, 1-based): chr5:179,152,168, C>T on the plus strand (G>A on the coding strand, the complement: ADAMTS2 is on the minus strand). VCF-style: chr5-179152168-C-T. GRCh37 (hg19) VCF-style: chr5-178579169-C-T.
Other names: c.1603G>A, p.Asp535Asn (NM_021599.4); short protein forms D535N.
Identifiers: ClinVar variation 4568015 (VCV004568015.1).
Genomic context (GRCh38, chr5:179,152,168, plus strand): 5'-TGCTGCCCTCCAAGAGCCCTTGATGCTGCCTCACCTTGCCAGGTGCACACATAGTCCCGT[C>T]CAAGGGGGGCCCCTTCTTGGTCTTGCAAAAGTAGGGGTTGTCAGGATGGCTGCACCACAG-3'
Protein context (NP_055059.2, residues 525-545): FCKTKKGPPL[Asp535Asn]GTMCAPGKHC

ClinVar aggregate classification (germline): Uncertain significance (1 of 4 stars; one submission).

Conditions:
Inborn genetic diseases. Identifiers: MedGen C0950123, MeSH D030342.

gnomAD v4.1: 1 of 1,613,882 alleles (0.000062%); highest among the groups gnomAD compares: African/African-American, 0.0013%; no homozygotes.

Submission:

Ambry Genetics
Classification: Uncertain significance for Inborn genetic diseases. Last evaluated: 2025-10-07. Review status: criteria provided, single submitter. Criteria: Ambry Variant Classification Scheme 2023. Collection method: clinical testing. Allele origin: germline.
Comment: The c.1603G>A (p.D535N) alteration is located in exon 10 (coding exon 10) of the ADAMTS2 gene. This alteration results from a G to A substitution at nucleotide position 1603, causing the aspartic acid (D) at amino acid position 535 to be replaced by an asparagine (N). Based on data from gnomAD, the A allele has an overall frequency of 0.003% (1/31382) total alleles studied. The highest observed frequency was 0.012% (1/8710) of African alleles. Based on insufficient or conflicting evidence, the clinical significance of this alteration remains unclear.